The following is an entry in ClinVar:

NM_000092.5(COL4A4):c.4207del (p.Ser1403fs)

Gene: COL4A4 (collagen type IV alpha 4 chain; minus strand). Cytogenetic location: 2q36.3.
Variant type: Deletion.
Coding change: c.4207del on transcript NM_000092.5 (MANE Select); coding-DNA position 4207, one base deleted (T; older notation c.4207delT).
Protein change: p.Ser1403fs; shifts the reading frame from serine 1403.
Molecular consequence: frameshift variant.
Genome position (GRCh38, 1-based): chr2:227,022,057, A deleted on the plus strand (T on the coding strand, the reverse complement: COL4A4 is on the minus strand). VCF-style (leftmost placement, unchanged base first): chr2-227022056-GA-G. GRCh37 (hg19) VCF-style: chr2-227886772-GA-G.
Other names: c.4207delT, p.Ser1403Glnfs (NM_000092.4); short protein forms S1403fs.
Identifiers: ClinVar variation 4817341 (VCV004817341.1).

ClinVar aggregate classification (germline): Likely pathogenic (1 of 4 stars; one submission).

Conditions:
Alport syndrome. Also called: Hemorrhagic familial nephritis; Hemorrhagic hereditary nephritis; Congenital hereditary hematuria. Identifiers: Orphanet 63, MedGen C1567741, MONDO:0018965.

Submission:

Natera, Inc.
Classification: Likely pathogenic for Alport syndrome. Last evaluated: 2024-06-04. Review status: criteria provided, single submitter. Criteria: Natera Variant Classification Schema (03/2026). Collection method: clinical testing. Allele origin: germline.
Comment: The c.4207del variant in COL4A4 is a frameshift variant predicted to shift the reading frame beginning at codon 1403 and leads to a stop codon 149 codons downstream. This variant is expected to result in nonsense mediated decay, truncation, or a dysfunctional protein product. This variant is rare in the general population with a frequency below the threshold expected for the associated phenotype(s). Given the available evidence, this variant is classified as Likely Pathogenic.